The following is an entry in ClinVar:

NM_012463.4(ATP6V0A2):c.205G>A (p.Val69Ile)

Gene: ATP6V0A2 (ATPase H+ transporting V0 subunit a2; plus strand). Cytogenetic location: 12q24.31.
Variant type: single nucleotide variant.
Coding change: c.205G>A on transcript NM_012463.4 (MANE Select); coding-DNA position 205, G replaced by A.
Protein change: p.Val69Ile; replaces valine 69 with isoleucine.
Molecular consequence: missense variant.
Genome position (GRCh38, 1-based): chr12:123,722,359, G>A. VCF-style: chr12-123722359-G-A. GRCh37 (hg19) VCF-style: chr12-124206906-G-A.
Other names: short protein forms V69I.
Identifiers: ClinVar variation 1968392 (VCV001968392.5), dbSNP rs2541842688, ClinGen allele CA387151210.

ClinVar aggregate classification (germline): Uncertain significance (1 of 4 stars; one submission).

Conditions:
ALG9 congenital disorder of glycosylation (CDG1L). Also called: CDG Il; CONGENITAL DISORDER OF GLYCOSYLATION, TYPE Il; ALG9-CDG. Identifiers: Orphanet 79328, MedGen C2931006, MONDO:0012117, OMIM 608776.

Allele frequency attached by ClinVar (database versions not stated): gnomAD exomes below 0.00001.
gnomAD v4.1: 1 of 1,595,272 alleles (0.000063%); highest among the groups gnomAD compares: Non-Finnish European, 0.000086%; no homozygotes.

Submission:

Labcorp Genetics (formerly Invitae), Labcorp
Classification: Uncertain significance for ALG9 congenital disorder of glycosylation. Last evaluated: 2022-01-16. Review status: criteria provided, single submitter. Criteria: Invitae Variant Classification Sherloc (09022015). Collection method: clinical testing. Allele origin: germline.
Comment: In summary, the available evidence is currently insufficient to determine the role of this variant in disease. Therefore, it has been classified as a Variant of Uncertain Significance. Algorithms developed to predict the effect of missense changes on protein structure and function (SIFT, PolyPhen-2, Align-GVGD) all suggest that this variant is likely to be tolerated. This variant has not been reported in the literature in individuals affected with ATP6V0A2-related conditions. This variant is not present in population databases (gnomAD no frequency). This sequence change replaces valine, which is neutral and non-polar, with isoleucine, which is neutral and non-polar, at codon 69 of the ATP6V0A2 protein (p.Val69Ile).